The following is an entry in ClinVar:

ClinVar aggregate classification (germline): Likely benign. Review status: criteria provided, multiple submitters, no conflicts (2 of 4 stars). 2 submissions from 2 submitters: Likely benign (2). Last evaluated 2024-09-03.

Conditions:
Oligodontia-cancer predisposition syndrome. Also called: TOOTH AGENESIS-COLORECTAL CANCER SYNDROME. Identifiers: Orphanet 300576, MedGen C1837750, MONDO:0012075, OMIM 608615. Disease mechanism: loss of function.

Allele frequency attached by ClinVar (database versions not stated): gnomAD exomes below 0.00001.
gnomAD v4.1: 2 of 1,613,808 alleles (0.00012%); highest among the groups gnomAD compares: Middle Eastern, 0.017%; no homozygotes.

Submissions (2):

Labcorp Genetics (formerly Invitae), Labcorp
Classification: Likely benign for Oligodontia-cancer predisposition syndrome. Last evaluated: 2024-09-03. Review status: criteria provided, single submitter. Criteria: Invitae Variant Classification Sherloc (09022015). Collection method: clinical testing. Allele origin: germline.

Myriad Genetics, Inc.
Classification: Likely benign for Oligodontia-cancer predisposition syndrome. Last evaluated: 2024-07-01. Review status: criteria provided, single submitter. Criteria: Myriad Autosomal Dominant, Autosomal Recessive and X-Linked Classification Criteria (2023). Collection method: clinical testing. Allele origin: unknown.
Comment: This variant is considered likely benign. This variant is intronic and is not expected to impact mRNA splicing.

NM_004655.4(AXIN2):c.1060-20T>C

Gene: AXIN2 (axin 2; minus strand). Cytogenetic location: 17q24.1.
Variant type: single nucleotide variant.
Coding change: c.1060-20T>C on transcript NM_004655.4 (MANE Select); 20 bases into the intron before coding-DNA position 1060, T replaced by C.
Molecular consequence: intron variant.
Genome position (GRCh38, 1-based): chr17:65,538,363, A>G on the plus strand (T>C on the coding strand, the complement: AXIN2 is on the minus strand). VCF-style: chr17-65538363-A-G. GRCh37 (hg19) VCF-style: chr17-63534481-A-G.
Other names: c.1060-20T>C (NM_001363813.1).
Identifiers: ClinVar variation 1920994 (VCV001920994.6), dbSNP rs2544183643, ClinGen allele CA2580095073.